The following is an entry in ClinVar:

ClinVar aggregate classification (germline): Uncertain significance (1 of 4 stars; one submission).

Conditions:
Lower motor neuron syndrome with late-adult onset (SMAJ). Also called: Spinal muscular atrophy, Jokela type; Late-Onset Spinal Motor Neuronopathy (SMAJ). Identifiers: Orphanet 276435, MedGen C3554398, MONDO:0014025, OMIM 615048.
Frontotemporal dementia and/or amyotrophic lateral sclerosis 2. Also called: FTDALS2. Identifiers: Orphanet 275872, MedGen C4014648, MONDO:0014395, OMIM 615911.
Autosomal dominant mitochondrial myopathy with exercise intolerance (IMMD). Also called: Myopathy, isolated mitochondrial, autosomal dominant. Identifiers: Orphanet 457050, MedGen C4015513, MONDO:0014532, OMIM 616209.

Submission:

Labcorp Genetics (formerly Invitae), Labcorp
Classification: Uncertain significance for Lower motor neuron syndrome with late-adult onset; Frontotemporal dementia and/or amyotrophic lateral sclerosis 2; Autosomal dominant mitochondrial myopathy with exercise intolerance. Last evaluated: 2025-04-14. Review status: criteria provided, single submitter. Criteria: Invitae Variant Classification Sherloc (09022015). Collection method: clinical testing. Allele origin: germline.
Comment: This sequence change replaces serine, which is neutral and polar, with phenylalanine, which is neutral and non-polar, at codon 20 of the CHCHD10 protein (p.Ser20Phe). This variant is not present in population databases (gnomAD no frequency). This variant has not been reported in the literature in individuals affected with CHCHD10-related conditions. Experimental studies and prediction algorithms are not available or were not evaluated, and the functional significance of this variant is currently unknown. In summary, the available evidence is currently insufficient to determine the role of this variant in disease. Therefore, it has been classified as a Variant of Uncertain Significance.

NM_213720.3(CHCHD10):c.59C>T (p.Ser20Phe)

Gene: CHCHD10 (coiled-coil-helix-coiled-coil-helix domain containing 10; minus strand). Cytogenetic location: 22q11.23.
Variant type: single nucleotide variant.
Coding change: c.59C>T on transcript NM_213720.3 (MANE Select); coding-DNA position 59, C replaced by T.
Protein change: p.Ser20Phe; replaces serine 20 with phenylalanine.
Molecular consequence: missense variant.
Genome position (GRCh38, 1-based): chr22:23,767,576, G>A on the plus strand (C>T on the coding strand, the complement: CHCHD10 is on the minus strand). VCF-style: chr22-23767576-G-A. GRCh37 (hg19) VCF-style: chr22-24109763-G-A.
Other names: c.59C>T, p.Ser20Phe (NM_001301339.2); short protein forms S20F.
Identifiers: ClinVar variation 4788704 (VCV004788704.1).
Genomic context (GRCh38, chr22:23,767,576, plus strand): 5'-CCCGAAGGGGCGGGGGCTGGGGCGGCTGCCGAGGGCGGTGGGTGCGCGGGCGGGTGGGCA[G>A]AGGGCGCGGCTGGGCGGCTGCGGGGGTGGGAGGAAGCAGGGTTAATCCTGGCCAGACCCC-3'
Protein context (NP_998885.1, residues 10-30): SRPASRPAAP[Ser20Phe]AHPPAHPPPS